The following is an entry in ClinVar:

ClinVar aggregate classification (germline): Uncertain significance (1 of 4 stars; one submission).

Submission:

Labcorp Genetics (formerly Invitae), Labcorp
Classification: Uncertain significance. Last evaluated: 2024-03-11. Review status: criteria provided, single submitter. Criteria: Invitae Variant Classification Sherloc (09022015). Collection method: clinical testing. Allele origin: germline.
Comment: This sequence change falls in intron 8 of the DDX41 gene. It does not directly change the encoded amino acid sequence of the DDX41 protein. It affects a nucleotide within the consensus splice site. This variant is not present in population databases (gnomAD no frequency). This variant has not been reported in the literature in individuals affected with DDX41-related conditions. Variants that disrupt the consensus splice site are a relatively common cause of aberrant splicing (PMID: 17576681, 9536098). Algorithms developed to predict the effect of sequence changes on RNA splicing suggest that this variant may disrupt the consensus splice site. In summary, the available evidence is currently insufficient to determine the role of this variant in disease. Therefore, it has been classified as a Variant of Uncertain Significance.

Literature cited by the submitters: PubMed 17576681; PubMed 9536098.

NM_016222.4(DDX41):c.798+5G>T

Gene: DDX41 (DEAD-box helicase 41; minus strand). Cytogenetic location: 5q35.3.
Variant type: single nucleotide variant.
Coding change: c.798+5G>T on transcript NM_016222.4 (MANE Select); 5 bases into the intron after coding-DNA position 798, G replaced by T.
Molecular consequence: intron variant.
Genome position (GRCh38, 1-based): chr5:177,514,911, C>A on the plus strand (G>T on the coding strand, the complement: DDX41 is on the minus strand). VCF-style: chr5-177514911-C-A. GRCh37 (hg19) VCF-style: chr5-176941912-C-A.
Other names: c.420+5G>T (NM_001321830.2, NM_001321732.2).
Identifiers: ClinVar variation 3643093 (VCV003643093.2).
Genomic context (GRCh38, chr5:177,514,911, plus strand): 5'-GACAAAGGCTGGCACCAGATGGCAGCCCCAATCTCTGGCCTGCCCTCCAGGCCAGCCTAT[C>A]TTACCGAGGGGCAGATGATGAGTCCATAGGGCCCCTCGCGCTTTGAGAAGGGTAACCTCT-3'